The following is an entry in ClinVar:

ClinVar aggregate classification (germline): Uncertain significance. Review status: criteria provided, multiple submitters, no conflicts (2 of 4 stars). 3 submissions from 3 submitters: Uncertain significance (3). Last evaluated 2024-02-19.

Conditions:
Mucopolysaccharidosis, MPS-III-C (MPS3C). Also called: mucopolysaccharidosis type 3C; MUCOPOLYSACCHARIDOSIS, TYPE IIIC; SANFILIPPO SYNDROME C; MPS III C; Mucopolysaccharidosis type IIIC (Sanfilippo C); MPS IIIC (Sanfilippo Syndrome Type C). Identifiers: Orphanet 581, Orphanet 79271, MedGen C0086649, MONDO:0009657, OMIM 252930.
Retinitis pigmentosa 73 (RP73). Identifiers: Orphanet 791, MedGen C4225287, MONDO:0014687, OMIM 616544.

Allele frequency attached by ClinVar (database versions not stated): gnomAD 0.00003; TOPMed 0.00004; ESP Exome Variant Server 0.00008; gnomAD exomes 0.00002 and 0.00006; ExAC 0.00002.

Submissions (3):

Blueprint Genetics
Classification: Uncertain significance. Last evaluated: 2024-02-19. Review status: criteria provided, single submitter. Criteria: ACMG Guidelines, 2015. Collection method: clinical testing. Allele origin: germline.

Labcorp Genetics (formerly Invitae), Labcorp
Classification: Uncertain significance for Retinitis pigmentosa 73; Mucopolysaccharidosis, MPS-III-C. Last evaluated: 2022-07-25. Review status: criteria provided, single submitter. Criteria: Invitae Variant Classification Sherloc (09022015). Collection method: clinical testing. Allele origin: germline.
Comment: This sequence change replaces arginine, which is basic and polar, with tryptophan, which is neutral and slightly polar, at codon 303 of the HGSNAT protein (p.Arg303Trp). This variant is present in population databases (rs375524490, gnomAD 0.007%). This variant has not been reported in the literature in individuals affected with HGSNAT-related conditions. ClinVar contains an entry for this variant (Variation ID: 908708). Algorithms developed to predict the effect of missense changes on protein structure and function (SIFT, PolyPhen-2, Align-GVGD) all suggest that this variant is likely to be tolerated. In summary, the available evidence is currently insufficient to determine the role of this variant in disease. Therefore, it has been classified as a Variant of Uncertain Significance.

Illumina Laboratory Services, Illumina
Classification: Uncertain significance for Mucopolysaccharidosis, MPS-III-C. Last evaluated: 2018-01-13. Review status: criteria provided, single submitter. Criteria: ICSL Variant Classification Criteria 13 December 2019. Collection method: clinical testing. Allele origin: germline.

NM_152419.3(HGSNAT):c.907C>T (p.Arg303Trp)

Gene: HGSNAT (heparan-alpha-glucosaminide N-acetyltransferase; plus strand). Cytogenetic location: 8p11.21.
Variant type: single nucleotide variant.
Coding change: c.907C>T on transcript NM_152419.3 (MANE Select); coding-DNA position 907, C replaced by T.
Protein change: p.Arg303Trp; replaces arginine 303 with tryptophan.
Molecular consequence: missense variant. On other transcripts: intron variant (1).
Genome position (GRCh38, 1-based): chr8:43,178,129, C>T. VCF-style: chr8-43178129-C-T. GRCh37 (hg19) VCF-style: chr8-43033272-C-T.
Other names: c.907C>T, p.Arg303Trp (NM_001363227.2); c.43C>T, p.Arg15Trp (NM_001363229.2); c.821-4016C>T (NM_001363228.2); short protein forms R15W, R303W.
Identifiers: ClinVar variation 908708 (VCV000908708.6), dbSNP rs375524490, ClinGen allele CA4736682.